The following is an entry in ClinVar:

ClinVar aggregate classification (germline): Uncertain significance (1 of 4 stars; one submission).

Allele frequency attached by ClinVar (database versions not stated): gnomAD exomes below 0.00001; gnomAD 0.00001; TOPMed 0.00002.
gnomAD v4.1: 5 of 1,611,096 alleles (0.00031%); highest among the groups gnomAD compares: African/African-American, 0.004%; no homozygotes.

Submission:

Labcorp Genetics (formerly Invitae), Labcorp
Classification: Uncertain significance. Last evaluated: 2022-09-28. Review status: criteria provided, single submitter. Criteria: Invitae Variant Classification Sherloc (09022015). Collection method: clinical testing. Allele origin: germline.
Comment: In summary, the available evidence is currently insufficient to determine the role of this variant in disease. Therefore, it has been classified as a Variant of Uncertain Significance. Algorithms developed to predict the effect of missense changes on protein structure and function are either unavailable or do not agree on the potential impact of this missense change (SIFT: "Deleterious"; PolyPhen-2: "Possibly Damaging"; Align-GVGD: "Class C0"). This variant has not been reported in the literature in individuals affected with POLE2-related conditions. The frequency data for this variant in the population databases is considered unreliable, as metrics indicate poor data quality at this position in the gnomAD database. This sequence change replaces valine, which is neutral and non-polar, with methionine, which is neutral and non-polar, at codon 474 of the POLE2 protein (p.Val474Met).

NM_002692.4(POLE2):c.1420G>A (p.Val474Met)

Gene: POLE2 (DNA polymerase epsilon 2, accessory subunit; minus strand). Cytogenetic location: 14q21.3.
Variant type: single nucleotide variant.
Coding change: c.1420G>A on transcript NM_002692.4 (MANE Select); coding-DNA position 1420, G replaced by A.
Protein change: p.Val474Met; replaces valine 474 with methionine.
Molecular consequence: missense variant.
Genome position (GRCh38, 1-based): chr14:49,650,342, C>T on the plus strand (G>A on the coding strand, the complement: POLE2 is on the minus strand). VCF-style: chr14-49650342-C-T. GRCh37 (hg19) VCF-style: chr14-50117060-C-T.
Other names: c.1342G>A, p.Val448Met (NM_001197330.2); c.1420G>A, p.Val474Met (NM_001197331.3); c.1417G>A, p.Val473Met (NM_001348384.2); c.1189G>A, p.Val397Met (NM_001348385.2); short protein forms V397M, V448M, V473M, V474M.
Identifiers: ClinVar variation 1947111 (VCV001947111.5), dbSNP rs1174946878, ClinGen allele CA389636664.
Genomic context (GRCh38, chr14:49,650,342, plus strand): 5'-ATTCGGTATTTGTCGTAGTGAAAGGATCATATTTGTCTGCAATGACAAGTAGATCGGGCA[C>T]AGGATACACTCTCAAAGCATAGTCATATGCCCAATACACTGGGCAGACATAAAGAGGTAG-3'
Protein context (NP_002683.2, residues 464-484): AYDYALRVYP[Val474Met]PDLLVIADKY